The following is an entry in ClinVar:

NM_015057.5(MYCBP2):c.8491A>G (p.Arg2831Gly)

Gene: MYCBP2 (MYC binding protein 2; minus strand). Cytogenetic location: 13q22.3.
Variant type: single nucleotide variant.
Coding change: c.8491A>G on transcript NM_015057.5 (MANE Select); coding-DNA position 8491, A replaced by G.
Protein change: p.Arg2831Gly; replaces arginine 2831 with glycine.
Molecular consequence: missense variant.
Genome position (GRCh38, 1-based): chr13:77,098,663, T>C on the plus strand (A>G on the coding strand, the complement: MYCBP2 is on the minus strand). VCF-style: chr13-77098663-T-C. GRCh37 (hg19) VCF-style: chr13-77672798-T-C.
Other names: short protein forms R2831G.
Identifiers: ClinVar variation 3369615 (VCV003369615.1).

ClinVar aggregate classification (germline): Uncertain significance (1 of 4 stars; one submission).

Submission:

GeneDx
Classification: Uncertain significance. Last evaluated: 2024-03-01. Review status: criteria provided, single submitter. Criteria: GeneDx Variant Classification Process June 2021. Collection method: clinical testing. Allele origin: germline. Affected: yes.
Comment: Not observed at significant frequency in large population cohorts (gnomAD); In silico analysis supports that this missense variant does not alter protein structure/function; Has not been previously published as pathogenic or benign to our knowledge